The following is an entry in ClinVar:

ClinVar aggregate classification (germline): Likely pathogenic (1 of 4 stars; one submission).

Submission:

Illumina Laboratory Services, Illumina
Classification: Likely pathogenic. Last evaluated: 2023-04-21. Review status: criteria provided, single submitter. Criteria: ICSL CNVClassificationCriteria Aug2020. Collection method: clinical testing. Allele origin: unknown.
Comment: This CNV is a 94 kb deletion of 15q21.3 on chromosome 15 (seq[GRCh37]del(15)(q21.3); NC_000015.9:g.55525602_ 55619376del). This CNV affects the PIGB, PIGBOS1, and RAB27A protein coding genes. Similar deletions have been reported in ClinVar (VID: 1459351, 1808194) and have been identified in control populations, though not at a frequency that precludes involvement in a disorder with an autosomal recessive inheritance pattern (PMID: 21841781; 24174537). This deletion results in the loss of exons 1-3 of the PIGB gene, which is associated with glycosylphosphatidylinositol deficiency. Loss of function is a known mechanism of this disease (PMID: 31256876), and this CNV is expected to result in an absent or non-functional PIGB gene product. This CNV was identified in trans with a missense variant in the PIGB gene that was classified as a variant of uncertain significance. Based on the available evidence, this CNV is classified as likely pathogenic.

Single allele

Genes: PIGB (phosphatidylinositol glycan anchor biosynthesis class B; plus strand), RAB27A (RAB27A, member RAS oncogene family; minus strand). Cytogenetic location: 15q21.3.
Variant type: Deletion.
Identifiers: ClinVar variation 2671585 (VCV002671585.1).